The following is an entry in ClinVar:

ClinVar aggregate classification (germline): Uncertain significance (1 of 4 stars; one submission).

Submission:

Medical Genetic Center, Changzhi Maternal and Child Health Care Hospital
Classification: Uncertain significance. Last evaluated: 2025-12-10. Review status: criteria provided, single submitter. Criteria: ACMG/ClinGen CNV Guidelines, 2019. Collection method: clinical testing. Allele origin: unknown.
Comment: 1A, CHRM3 partial duplication(NM_001375978.1,exon 7-9)、FMN2 partial duplication (NM_020066.5, exon 1-5)

GRCh38/hg38 1q43(chr1:239771483-240176618)x3

Genes: CHRM3 (cholinergic receptor muscarinic 3; plus strand), CHRM3-AS1 (CHRM3 antisense RNA 1; minus strand), FMN2 (formin 2; plus strand). Cytogenetic location: 1q43.
Variant type: copy number gain.
Change: copy number 3 (three copies instead of two) of chr1:239,771,483-240,176,618 (405.1 kb, GRCh38 coordinates, 1-based), cytogenetic band 1q43.
Identifiers: ClinVar variation 4796465 (VCV004796465.1).